The following is an entry in ClinVar:

ClinVar aggregate classification (germline): Conflicting classifications of pathogenicity. Review status: criteria provided, conflicting classifications (1 of 4 stars). 9 submissions from 9 submitters: Uncertain significance (8); Likely benign (1). Last evaluated 2026-09-21.

Conditions:
DSP-related disorder. Also called: DSP-related condition; DSP-related disorders.
Cardiovascular phenotype. Identifiers: MedGen CN230736.
Arrhythmogenic cardiomyopathy with wooly hair and keratoderma. Also called: Arrhythmogenic cardiomyopathy with woolly hair and keratoderma; Carvajal syndrome; Dilated cardiomyopathy with woolly hair and keratoderma; PALMOPLANTAR KERATODERMA WITH LEFT VENTRICULAR CARDIOMYOPATHY AND WOOLLY HAIR. Identifiers: Orphanet 65282, MedGen C1854063, MONDO:0011581, OMIM 605676.
Woolly hair-skin fragility syndrome (WHSF). Identifiers: Orphanet 293165, MedGen C1843292, MONDO:0957307, OMIM 620415.
Arrhythmogenic right ventricular dysplasia 8 (ARVD8). Also called: Arrhythmogenic Right Ventricular Dysplasia/Cardiomyopathy 8; ARRHYTHMOGENIC RIGHT VENTRICULAR DYSPLASIA, FAMILIAL, 8; ARRHYTHMOGENIC RIGHT VENTRICULAR CARDIOMYOPATHY 8. Identifiers: MedGen C1843896, MONDO:0011831, OMIM 607450.
Lethal acantholytic epidermolysis bullosa (EBLA). Identifiers: Orphanet 158687, MedGen C1864826, MONDO:0012323, OMIM 609638.
Keratosis palmoplantaris striata 2. Also called: KERATODERMA, PALMOPLANTAR, STRIATE FORM II; STRIATE PALMOPLANTAR KERATODERMA II; Keratosis palmoplantaris striata II. Identifiers: MedGen C1852127, MONDO:0013034, OMIM 612908.
Cardiomyopathy, dilated, with wooly hair, keratoderma, and tooth agenesis. Also called: Erythrokeratodermia-cardiomyopathy syndrome; Cardiomyopathy, dilated, with woolly hair, keratoderma, and tooth agenesis. Identifiers: Orphanet 476096, Orphanet 65282, MedGen C4014393, MONDO:0014355, OMIM 615821.
Cardiomyopathy (CMYO). Also called: Cardiomyopathies. Identifiers: Orphanet 167848, MedGen C0878544, MONDO:0004994, HP:0001638. Inheritance: Various modes of inheritance.

Allele frequency attached by ClinVar (database versions not stated): gnomAD exomes 0.00001 and 0.00002; TOPMed 0.00003; gnomAD 0.00005; ExAC 0.00001.

Submissions (9):

Molecular Diagnostic Laboratory for Inherited Cardiovascular Disease, Montreal Heart Institute
Classification: Uncertain significance for Cardiovascular phenotype. Last evaluated: 2026-09-21. Review status: criteria provided, single submitter. Criteria: ACMG Guidelines, 2015. Collection method: clinical testing. Allele origin: germline. Affected: yes.
Comment: PM2

PreventionGenetics, part of Exact Sciences
Classification: Uncertain significance for DSP-related condition. Last evaluated: 2026-05-09. Review status: criteria provided, single submitter. Criteria: ACMG Guidelines, 2015. Collection method: clinical testing. Allele origin: germline.
Comment: The DSP c.3971A>T variant is predicted to result in the amino acid substitution p.Asn1324Ile. This variant has been reported as a variant of uncertain significance in an individual with cardiomyopathy; however, this individual also carried another variant in a cardiomyopathy-associated gene (Table S2, Horgan et al. 2025. PubMed ID: 39694818). This variant is reported in 0.0031% of alleles in individuals of European (Non-Finnish) descent in gnomAD. At this time, the clinical significance of this variant is uncertain due to the absence of conclusive functional and genetic evidence.

GeneDx
Classification: Uncertain significance. Last evaluated: 2026-01-04. Review status: criteria provided, single submitter. Criteria: GeneDx Variant Classification Process June 2021. Collection method: clinical testing. Allele origin: germline. Affected: yes.
Comment: Not observed at significant frequency in large population cohorts (gnomAD); In silico analysis suggests that this missense variant does not alter protein structure/function; Has not been previously published as pathogenic or benign to our knowledge

Labcorp Genetics (formerly Invitae), Labcorp
Classification: Likely benign for Arrhythmogenic cardiomyopathy with wooly hair and keratoderma; Arrhythmogenic right ventricular dysplasia 8. Last evaluated: 2025-12-29. Review status: criteria provided, single submitter. Criteria: Invitae Variant Classification Sherloc (09022015). Collection method: clinical testing. Allele origin: germline.

Women's Health and Genetics/Laboratory Corporation of America, LabCorp
Classification: Uncertain significance. Last evaluated: 2025-02-10. Review status: criteria provided, single submitter. Criteria: LabCorp Variant Classification Summary - May 2015. Collection method: clinical testing. Allele origin: germline.

Color Diagnostics, LLC DBA Color Health
Classification: Uncertain significance for Cardiomyopathy. Last evaluated: 2024-03-06. Review status: criteria provided, single submitter. Criteria: ACMG Guidelines, 2015. Collection method: clinical testing. Allele origin: germline.
Comment: This missense variant replaces asparagine with isoleucine at codon 1324 of the DSP protein. Computational prediction suggests that this variant may not impact protein structure and function (internally defined REVEL score threshold <= 0.5, PMID: 27666373). To our knowledge, functional studies have not been reported for this variant. This variant has not been reported in individuals affected with DSP-related disorders in the literature. This variant has been identified in 4/282234 chromosomes in the general population by the Genome Aggregation Database (gnomAD). The available evidence is insufficient to determine the role of this variant in disease conclusively. Therefore, this variant is classified as a Variant of Uncertain Significance.

Ambry Genetics
Classification: Uncertain significance for Cardiovascular phenotype. Last evaluated: 2023-12-19. Review status: criteria provided, single submitter. Criteria: Ambry Variant Classification Scheme 2023. Collection method: clinical testing. Allele origin: germline.
Comment: The p.N1324I variant (also known as c.3971A>T), located in coding exon 23 of the DSP gene, results from an A to T substitution at nucleotide position 3971. The asparagine at codon 1324 is replaced by isoleucine, an amino acid with dissimilar properties. This amino acid position is not well conserved in available vertebrate species. In addition, the in silico prediction for this alteration is inconclusive. Since supporting evidence is limited at this time, the clinical significance of this alteration remains unclear.

Blueprint Genetics
Classification: Uncertain significance. Last evaluated: 2022-08-30. Review status: criteria provided, single submitter. Criteria: ACMG Guidelines, 2015. Collection method: clinical testing. Allele origin: germline.

Fulgent Genetics
Classification: Uncertain significance for Arrhythmogenic cardiomyopathy with wooly hair and keratoderma; Arrhythmogenic right ventricular dysplasia 8; Lethal acantholytic epidermolysis bullosa; Keratosis palmoplantaris striata 2; Cardiomyopathy, dilated, with wooly hair, keratoderma, and tooth agenesis. Last evaluated: 2021-10-15. Review status: criteria provided, single submitter. Criteria: ACMG Guidelines, 2015. Collection method: clinical testing. Allele origin: unknown.

NM_004415.4(DSP):c.3971A>T (p.Asn1324Ile)

Gene: DSP (desmoplakin; plus strand). Cytogenetic location: 6p24.3.
Variant type: single nucleotide variant.
Coding change: c.3971A>T on transcript NM_004415.4 (MANE Select); coding-DNA position 3971, A replaced by T.
Protein change: p.Asn1324Ile; replaces asparagine 1324 with isoleucine.
Molecular consequence: missense variant. On other transcripts: intron variant (1).
Genome position (GRCh38, 1-based): chr6:7,580,161, A>T. VCF-style: chr6-7580161-A-T. GRCh37 (hg19) VCF-style: chr6-7580394-A-T.
Other names: p.N1324I:AAT>ATT; c.3971A>T (LRG_423t1, NM_004415.3); c.3971A>T, p.Asn1324Ile (NM_001319034.2); c.3582+389A>T (NM_001008844.3); short protein forms N1324I.
Identifiers: ClinVar variation 199935 (VCV000199935.38), dbSNP rs749820299, ClinGen allele CA004321.